The following is an entry in ClinVar:

ClinVar aggregate classification (germline): Likely benign (1 of 4 stars; one submission).

Submission:

CeGaT Center for Human Genetics Tuebingen
Classification: Likely benign. Last evaluated: 2022-11-01. Review status: criteria provided, single submitter. Criteria: CeGaT Center For Human Genetics Tuebingen Variant Classification Criteria Version 2. Collection method: clinical testing. Allele origin: germline. Affected: yes. Observed: 1 variant allele.
Comment: MAGEC1: BS2

NM_005462.5(MAGEC1):c.919_1023del (p.Val307_Pro341del)

Gene: MAGEC1 (MAGE family member C1; plus strand). Cytogenetic location: Xq27.2.
Variant type: Deletion.
Coding change: c.919_1023del on transcript NM_005462.5 (MANE Select); coding-DNA positions 919 to 1023, 105 bases deleted.
Protein change: p.Val307_Pro341del.
Molecular consequence: inframe deletion.
Genome position (GRCh38, 1-based): chrX:141,906,323-141,906,427, 105 bases deleted. GRCh37 (hg19): chrX:140,994,109-140,994,213.
Identifiers: ClinVar variation 2661562 (VCV002661562.24), dbSNP rs1569477613, ClinGen allele CA10533428.